The following is an entry in ClinVar:

NM_001903.5(CTNNA1):c.108T>C (p.Val36=)

Gene: CTNNA1 (catenin alpha 1; plus strand). Cytogenetic location: 5q31.2.
Variant type: single nucleotide variant.
Coding change: c.108T>C on transcript NM_001903.5 (MANE Select); coding-DNA position 108, T replaced by C.
Protein change: p.Val36=; no amino-acid change (valine 36 retained).
Molecular consequence: synonymous variant. On other transcripts: 5 prime UTR variant (1), intron variant (1).
Genome position (GRCh38, 1-based): chr5:138,783,179, T>C. VCF-style: chr5-138783179-T-C. GRCh37 (hg19) VCF-style: chr5-138118868-T-C.
Other names: c.108T>C (NM_001903.4); c.108T>C, p.Val36= (NM_001290307.3, NM_001323982.2, NM_001323983.1 and 3 more transcripts); c.-99T>C (NM_001290310.3); c.-9+1150T>C (NM_001290309.3).
Identifiers: ClinVar variation 725115 (VCV000725115.15), dbSNP rs1199236107, ClinGen allele CA446725047.
Genomic context (GRCh38, chr5:138,783,179, plus strand): 5'-AGATATTAGTTTGTCATTTTAATTGACTCCAGTTTAATGTTAAAAATGAAACTTTTAGGT[T>C]ACAACCCTTGTAAACACCAATAGTAAAGGGCCCTCTAATAAGAAGAGAGGTCGTTCTAAG-3'
Protein context (NP_001894.2, residues 26-46): ERLLEPLVTQ[Val36=]TTLVNTNSKG

ClinVar aggregate classification (germline): Benign/Likely benign. Review status: criteria provided, multiple submitters, no conflicts (2 of 4 stars). 4 submissions from 4 submitters: Benign (1); Likely benign (2). 1 of the submissions does not count toward it. Last evaluated 2024-10-09.

Conditions:
CTNNA1-related disorder. Also called: CTNNA1-related condition.
Hereditary diffuse gastric adenocarcinoma (HDGC). Also called: DIFFUSE GASTRIC AND LOBULAR BREAST CANCER SYNDROME. Identifiers: Orphanet 26106, MedGen C1708349, MONDO:0007648, OMIM 137215.
Hereditary cancer-predisposing syndrome. Also called: Hereditary neoplastic syndrome; Neoplastic Syndromes, Hereditary; Tumor predisposition; Hereditary Cancer Syndrome. Identifiers: Orphanet 140162, MedGen C0027672, MeSH D009386, MONDO:0015356.

Allele frequency attached by ClinVar (database versions not stated): TOPMed 0.00001.
gnomAD v4.1: 1 of 1,593,524 alleles (0.000063%); highest among the groups gnomAD compares: Non-Finnish European, 0.000086%; no homozygotes.

Submissions (4):

Myriad Genetics, Inc.
Classification: Benign for Hereditary diffuse gastric adenocarcinoma. Last evaluated: 2024-10-09. Review status: criteria provided, single submitter. Criteria: Myriad Autosomal Dominant, Autosomal Recessive and X-Linked Classification Criteria (2023). Collection method: clinical testing. Allele origin: unknown.
Comment: This variant is considered benign. This variant is a silent/synonymous amino acid change and it is not expected to impact splicing.

Labcorp Genetics (formerly Invitae), Labcorp
Classification: Likely benign. Last evaluated: 2024-06-10. Review status: criteria provided, single submitter. Criteria: Invitae Variant Classification Sherloc (09022015). Collection method: clinical testing. Allele origin: germline.

Ambry Genetics
Classification: Likely benign for Hereditary cancer-predisposing syndrome. Last evaluated: 2020-10-14. Review status: criteria provided, single submitter. Criteria: Ambry Variant Classification Scheme 2023. Collection method: clinical testing. Allele origin: germline.

PreventionGenetics, part of Exact Sciences
Classification: Likely benign for CTNNA1-related condition. Last evaluated: 2024-03-27. Review status: no assertion criteria provided. Collection method: clinical testing. Allele origin: germline. Not counted in ClinVar's aggregate classification.
Comment: This variant is classified as likely benign based on ACMG/AMP sequence variant interpretation guidelines (Richards et al. 2015 PMID: 25741868, with internal and published modifications).